The following is an entry in ClinVar:

NM_004211.5(SLC6A5):c.179A>G (p.Gln60Arg)

Gene: SLC6A5 (solute carrier family 6 member 5; plus strand). Cytogenetic location: 11p15.1.
Variant type: single nucleotide variant.
Coding change: c.179A>G on transcript NM_004211.5 (MANE Select); coding-DNA position 179, A replaced by G.
Protein change: p.Gln60Arg; replaces glutamine 60 with arginine.
Molecular consequence: missense variant. On other transcripts: 5 prime UTR variant (1).
Genome position (GRCh38, 1-based): chr11:20,601,304, A>G. VCF-style: chr11-20601304-A-G. GRCh37 (hg19) VCF-style: chr11-20622850-A-G.
Other names: c.-385A>G (NM_001318369.2); short protein forms Q60R.
Identifiers: ClinVar variation 1970065 (VCV001970065.3), dbSNP rs914173347, ClinGen allele CA218722494.

ClinVar aggregate classification (germline): Uncertain significance (1 of 4 stars; one submission).

Conditions:
Hyperekplexia 3 (HKPX3). Also called: HYPEREKPLEXIA 3, AUTOSOMAL RECESSIVE; HYPEREKPLEXIA 3, AUTOSOMAL DOMINANT. Identifiers: Orphanet 3197, MedGen C3553288, MONDO:0013827, OMIM 614618.

Allele frequency attached by ClinVar (database versions not stated): TOPMed below 0.00001; gnomAD 0.00001.

Submission:

Labcorp Genetics (formerly Invitae), Labcorp
Classification: Uncertain significance for Hyperekplexia 3. Last evaluated: 2022-07-19. Review status: criteria provided, single submitter. Criteria: Invitae Variant Classification Sherloc (09022015). Collection method: clinical testing. Allele origin: germline.
Comment: This sequence change replaces glutamine, which is neutral and polar, with arginine, which is basic and polar, at codon 60 of the SLC6A5 protein (p.Gln60Arg). This variant is not present in population databases (gnomAD no frequency). This variant has not been reported in the literature in individuals affected with SLC6A5-related conditions. Advanced modeling of protein sequence and biophysical properties (such as structural, functional, and spatial information, amino acid conservation, physicochemical variation, residue mobility, and thermodynamic stability) performed at Invitae indicates that this missense variant is not expected to disrupt SLC6A5 protein function. In summary, the available evidence is currently insufficient to determine the role of this variant in disease. Therefore, it has been classified as a Variant of Uncertain Significance.